The following is an entry in ClinVar:

ClinVar aggregate classification (germline): Conflicting classifications of pathogenicity. Review status: criteria provided, conflicting classifications (1 of 4 stars). 2 submissions from 2 submitters: Uncertain significance (1); Likely benign (1). Last evaluated 2024-04-25.

Conditions:
Seizure. Also called: Seizures. Identifiers: MedGen C0036572, HP:0001250.
Early-infantile DEE. Also called: Early infantile epileptic encephalopathy; Early infantile epileptic encephalopathy with suppression bursts; Ohtahara syndrome. Identifiers: Orphanet 1934, MedGen C0393706, MONDO:0800491.

Allele frequency attached by ClinVar (database versions not stated): gnomAD exomes below 0.00001.
gnomAD v4.1: 2 of 1,612,918 alleles (0.00012%); highest among the groups gnomAD compares: South Asian, 0.0011%; no homozygotes.

Submissions (2):

Labcorp Genetics (formerly Invitae), Labcorp
Classification: Uncertain significance for Early-infantile DEE. Last evaluated: 2024-04-25. Review status: criteria provided, single submitter. Criteria: Invitae Variant Classification Sherloc (09022015). Collection method: clinical testing. Allele origin: germline.
Comment: This sequence change replaces lysine, which is basic and polar, with glutamic acid, which is acidic and polar, at codon 2431 of the SPTAN1 protein (p.Lys2431Glu). This variant is not present in population databases (gnomAD no frequency). This variant has not been reported in the literature in individuals affected with SPTAN1-related conditions. ClinVar contains an entry for this variant (Variation ID: 1064408). Advanced modeling of protein sequence and biophysical properties (such as structural, functional, and spatial information, amino acid conservation, physicochemical variation, residue mobility, and thermodynamic stability) has been performed at Invitae for this missense variant, however the output from this modeling did not meet the statistical confidence thresholds required to predict the impact of this variant on SPTAN1 protein function. In summary, the available evidence is currently insufficient to determine the role of this variant in disease. Therefore, it has been classified as a Variant of Uncertain Significance.

Cytogénomique, Hospices Civils de Lyon
Classification: Likely benign for Seizure. Last evaluated: 2021-04-12. Review status: criteria provided, single submitter. Criteria: ACMG Guidelines, 2015. Collection method: clinical testing. Allele origin: paternal. Inheritance: Sporadic. Affected: yes.

NM_001130438.3(SPTAN1):c.7291A>G (p.Lys2431Glu)

Gene: SPTAN1 (spectrin alpha, non-erythrocytic 1; plus strand). Cytogenetic location: 9q34.11.
Variant type: single nucleotide variant.
Coding change: c.7291A>G on transcript NM_001130438.3 (MANE Select); coding-DNA position 7291, A replaced by G.
Protein change: p.Lys2431Glu; replaces lysine 2431 with glutamic acid.
Molecular consequence: missense variant.
Genome position (GRCh38, 1-based): chr9:128,632,938, A>G. VCF-style: chr9-128632938-A-G. GRCh37 (hg19) VCF-style: chr9-131395217-A-G.
Other names: c.7291A>G, p.Lys2431Glu (NM_001375311.2); c.7327A>G, p.Lys2443Glu (NM_001375312.2); c.7273A>G, p.Lys2425Glu (NM_001375313.1); c.7231A>G, p.Lys2411Glu (NM_001375314.2, NM_001363765.2); c.7390A>G, p.Lys2464Glu (NM_001375318.1); c.7276A>G, p.Lys2426Glu (NM_003127.4); c.7216A>G, p.Lys2406Glu (NM_001195532.2); c.7354A>G, p.Lys2452Glu (NM_001363759.2); and 1 more; short protein forms K2406E, K2411E, K2425E, K2426E, K2431E, K2443E, K2452E, K2460E.
Identifiers: ClinVar variation 1064408 (VCV001064408.6), dbSNP rs2132107869, ClinGen allele CA375102917.